The following is an entry in ClinVar:

NM_000388.4(CASR):c.2356A>G (p.Ile786Val)

Gene: CASR (calcium sensing receptor; plus strand). Cytogenetic location: 3q21.1.
Variant type: single nucleotide variant.
Coding change: c.2356A>G on transcript NM_000388.4 (MANE Select); coding-DNA position 2356, A replaced by G.
Protein change: p.Ile786Val; replaces isoleucine 786 with valine.
Molecular consequence: missense variant.
Genome position (GRCh38, 1-based): chr3:122,284,310, A>G. VCF-style: chr3-122284310-A-G. GRCh37 (hg19) VCF-style: chr3-122003157-A-G.
Other names: c.2386A>G, p.Ile796Val (NM_001178065.2); short protein forms I786V, I796V.
Identifiers: ClinVar variation 653335 (VCV000653335.20), dbSNP rs371882068, ClinGen allele CA2569819.
Genomic context (GRCh38, chr3:122,284,310, plus strand): 5'-CACGAGGGCTCCCTCATGGCCCTGGGCTTCCTGATCGGCTACACCTGCCTGCTGGCTGCC[A>G]TCTGCTTCTTCTTTGCCTTCAAGTCCCGGAAGCTGCCGGAGAACTTCAATGAAGCCAAGT-3'
Protein context (NP_000379.3, residues 776-796): LIGYTCLLAA[Ile786Val]CFFFAFKSRK

ClinVar aggregate classification (germline): Conflicting classifications of pathogenicity. Review status: criteria provided, conflicting classifications (1 of 4 stars). 5 submissions from 5 submitters: Uncertain significance (3); Likely benign (2). Last evaluated 2025-11-11.

Conditions:
Nephrolithiasis/nephrocalcinosis. Identifiers: MedGen CN580796.
Familial hypocalciuric hypercalcemia (FHH). Also called: Familial benign hypercalcemia. Identifiers: Orphanet 405, MedGen C1809471, MONDO:0018458.
Autosomal dominant hypocalcemia 1 (HYPOC1). Also called: HYPOCALCEMIA, FAMILIAL. Identifiers: MedGen C3715128, MONDO:0011013, OMIM 601198.

Allele frequency attached by ClinVar (database versions not stated): gnomAD exomes 0.00002 and below 0.00001; ExAC 0.00002; TOPMed 0.00006; ESP Exome Variant Server 0.00008; gnomAD 0.00007.
gnomAD v4.1: 15 of 1,614,006 alleles (0.00093%); highest among the groups gnomAD compares: African/African-American, 0.02%; no homozygotes.

Submissions (5):

Women's Health and Genetics/Laboratory Corporation of America, LabCorp
Classification: Uncertain significance. Last evaluated: 2025-11-11. Review status: criteria provided, single submitter. Criteria: LabCorp Variant Classification Summary - May 2015. Collection method: clinical testing. Allele origin: germline.
Comment: Variant summary: CASR c.2356A>G (p.Ile786Val) results in a conservative amino acid change in the encoded protein sequence. Algorithms developed to predict the effect of missense changes on protein structure and function are either unavailable or do not agree on the potential impact of this missense change. The variant allele was found at a frequency of 1.6e-05 in 251282 control chromosomes. The available data on variant occurrences in the general population are insufficient to allow any conclusion about variant significance. To our knowledge, no occurrence of c.2356A>G in individuals affected with CASR-related conditions and no experimental evidence demonstrating its impact on protein function have been reported. ClinVar contains an entry for this variant (Variation ID: 653335). Based on the evidence outlined above, the variant was classified as uncertain significance.

Labcorp Genetics (formerly Invitae), Labcorp
Classification: Likely benign for Familial hypocalciuric hypercalcemia; Autosomal dominant hypocalcemia 1. Last evaluated: 2025-04-28. Review status: criteria provided, single submitter. Criteria: Invitae Variant Classification Sherloc (09022015). Collection method: clinical testing. Allele origin: germline.

Center for Genomic Medicine, Rigshospitalet, Copenhagen University Hospital
Classification: Uncertain significance. Last evaluated: 2025-03-04. Review status: criteria provided, single submitter. Criteria: ACMG Guidelines, 2015. Collection method: clinical testing. Allele origin: germline.

Ambry Genetics
Classification: Likely benign for Nephrolithiasis/nephrocalcinosis. Last evaluated: 2022-10-31. Review status: criteria provided, single submitter. Criteria: Ambry Variant Classification Scheme 2023. Collection method: clinical testing. Allele origin: germline.

Breakthrough Genomics
Classification: Uncertain significance. Review status: criteria provided, single submitter. Criteria: ACMG Guidelines, 2015. Collection method: not provided. Allele origin: germline. Inheritance: Autosomal recessive inheritance. Affected: yes.